The following is an entry in ClinVar:

NM_006859.4(LIAS):c.954+123G>A

Gene: LIAS (lipoic acid synthetase; plus strand). Cytogenetic location: 4p14.
Variant type: single nucleotide variant.
Coding change: c.954+123G>A on transcript NM_006859.4 (MANE Select); 123 bases into the intron after coding-DNA position 954, G replaced by A.
Molecular consequence: intron variant.
Genome position (GRCh38, 1-based): chr4:39,471,429, G>A. VCF-style: chr4-39471429-G-A. GRCh37 (hg19) VCF-style: chr4-39473049-G-A.
Other names: c.954+123G>A (NM_194451.3); c.825+123G>A (NM_001278590.2); c.645+123G>A (NM_001363700.2).
Identifiers: ClinVar variation 677282 (VCV000677282.1), dbSNP rs142553402, ClinGen allele CA95732209.

ClinVar aggregate classification (germline): Likely benign (1 of 4 stars; one submission).

Allele frequency attached by ClinVar (database versions not stated): gnomAD exomes 0.00099; gnomAD 0.00847 and 0.00902; TOPMed 0.00918; 1000 Genomes Project 0.00919; 1000 Genomes Project 30x 0.01015.
gnomAD v4.1: 1,822 of 671,098 alleles (0.27%); highest among the groups gnomAD compares: African/African-American, 2.7%; 22 homozygotes.

Submission:

GeneDx
Classification: Likely benign. Last evaluated: 2018-06-19. Review status: criteria provided, single submitter. Criteria: GeneDx Variant Classification (06012015). Collection method: clinical testing. Allele origin: germline. Affected: yes.
Comment: This variant is considered likely benign or benign based on one or more of the following criteria: it is a conservative change, it occurs at a poorly conserved position in the protein, it is predicted to be benign by multiple in silico algorithms, and/or has population frequency not consistent with disease.